The following is an entry in ClinVar:

ClinVar aggregate classification (germline): Uncertain significance (1 of 4 stars; one submission).

Conditions:
Hereditary spastic paraplegia 4. Also called: Spastic paraplegia 4, autosomal dominant; Spastic Paraplegia 4; Familial spastic paraplegia autosomal dominant 2. Identifiers: Orphanet 100985, MedGen C1866855, MONDO:0008438, OMIM 182601.

Submission:

Labcorp Genetics (formerly Invitae), Labcorp
Classification: Uncertain significance for Hereditary spastic paraplegia 4. Last evaluated: 2024-04-18. Review status: criteria provided, single submitter. Criteria: Invitae Variant Classification Sherloc (09022015). Collection method: clinical testing. Allele origin: germline.
Comment: This sequence change replaces leucine, which is neutral and non-polar, with phenylalanine, which is neutral and non-polar, at codon 380 of the SPAST protein (p.Leu380Phe). This variant is not present in population databases (gnomAD no frequency). This variant has not been reported in the literature in individuals affected with SPAST-related conditions. Advanced modeling of protein sequence and biophysical properties (such as structural, functional, and spatial information, amino acid conservation, physicochemical variation, residue mobility, and thermodynamic stability) has been performed at Invitae for this missense variant, however the output from this modeling did not meet the statistical confidence thresholds required to predict the impact of this variant on SPAST protein function. This variant disrupts the p.Leu380 amino acid residue in SPAST. Other variant(s) that disrupt this residue have been determined to be pathogenic (PMID: 23400676, 31594988; Invitae). This suggests that this residue is clinically significant, and that variants that disrupt this residue are likely to be disease-causing. In summary, the available evidence is currently insufficient to determine the role of this variant in disease. Therefore, it has been classified as a Variant of Uncertain Significance.

Literature cited by the submitters: PubMed 23400676; PubMed 31594988.

NM_014946.4(SPAST):c.1138C>T (p.Leu380Phe)

Gene: SPAST (spastin; plus strand). Cytogenetic location: 2p22.3.
Variant type: single nucleotide variant.
Coding change: c.1138C>T on transcript NM_014946.4 (MANE Select); coding-DNA position 1138, C replaced by T.
Protein change: p.Leu380Phe; replaces leucine 380 with phenylalanine.
Molecular consequence: missense variant.
Genome position (GRCh38, 1-based): chr2:32,126,987, C>T. VCF-style: chr2-32126987-C-T. GRCh37 (hg19) VCF-style: chr2-32352056-C-T.
Other names: c.1135C>T, p.Leu379Phe (NM_001363823.2); c.1039C>T, p.Leu347Phe (NM_001363875.2); c.1042C>T, p.Leu348Phe (NM_001377959.1, NM_199436.2); short protein forms L347F, L379F, L348F, L380F.
Identifiers: ClinVar variation 3650386 (VCV003650386.2).